The following is an entry in ClinVar:

NM_004766.3(COPB2):c.2689A>C (p.Ile897Leu)

Gene: COPB2 (COPI coat complex subunit beta 2; minus strand). Cytogenetic location: 3q23.
Variant type: single nucleotide variant.
Coding change: c.2689A>C on transcript NM_004766.3 (MANE Select); coding-DNA position 2689, A replaced by C.
Protein change: p.Ile897Leu; replaces isoleucine 897 with leucine.
Molecular consequence: missense variant. On other transcripts: non-coding transcript variant (1).
Genome position (GRCh38, 1-based): chr3:139,357,895, T>G on the plus strand (A>C on the coding strand, the complement: COPB2 is on the minus strand). VCF-style: chr3-139357895-T-G. GRCh37 (hg19) VCF-style: chr3-139076737-T-G.
Other names: c.2602A>C, p.Ile868Leu (NM_001410834.1); short protein forms I868L, I897L.
Identifiers: ClinVar variation 2502523 (VCV002502523.1), dbSNP rs2472876063, ClinGen allele CA354766084.
Genomic context (GRCh38, chr3:139,357,895, plus strand): 5'-TTAGTCAGGTAAATGGAAAGCATTACAGTCAATCATCCAAAATATCTTCATCCAGATTGA[T>G]ATCTGTTGTGTCAATATCTTCTAATTCCAAATTATCCAAATCTACTTCTAGTTCGAGTAA-3'
Protein context (NP_004757.1, residues 887-906): LELEDIDTTD[Ile897Leu]NLDEDILDD

ClinVar aggregate classification (germline): Uncertain significance (1 of 4 stars; one submission).

gnomAD v4.1: 1 of 1,595,198 alleles (0.000063%); no homozygotes.

Submission:

GeneDx
Classification: Uncertain significance. Last evaluated: 2022-11-22. Review status: criteria provided, single submitter. Criteria: GeneDx Variant Classification Process June 2021. Collection method: clinical testing. Allele origin: germline. Affected: yes.
Comment: Not observed at significant frequency in large population cohorts (gnomAD); In silico analysis supports that this missense variant does not alter protein structure/function; Has not been previously published as pathogenic or benign to our knowledge